The following is an entry in ClinVar:

ClinVar aggregate classification (germline): Uncertain significance (1 of 4 stars; one submission).

Conditions:
Emery-Dreifuss muscular dystrophy 5, autosomal dominant (EDMD5). Also called: EMERY-DREIFUSS MUSCULAR DYSTROPHY 5. Identifiers: Orphanet 261, MedGen C2751805, MONDO:0013072, OMIM 612999.

Submission:

Labcorp Genetics (formerly Invitae), Labcorp
Classification: Uncertain significance for Emery-Dreifuss muscular dystrophy 5, autosomal dominant. Last evaluated: 2022-10-17. Review status: criteria provided, single submitter. Criteria: Invitae Variant Classification Sherloc (09022015). Collection method: clinical testing. Allele origin: germline.
Comment: This sequence change replaces threonine, which is neutral and polar, with isoleucine, which is neutral and non-polar, at codon 3804 of the SYNE2 protein (p.Thr3804Ile). This variant is not present in population databases (gnomAD no frequency). This variant has not been reported in the literature in individuals affected with SYNE2-related conditions. Algorithms developed to predict the effect of missense changes on protein structure and function output the following: SIFT: "Deleterious"; PolyPhen-2: "Possibly Damaging"; Align-GVGD: "Class C0". The isoleucine amino acid residue is found in multiple mammalian species, which suggests that this missense change does not adversely affect protein function. In summary, the available evidence is currently insufficient to determine the role of this variant in disease. Therefore, it has been classified as a Variant of Uncertain Significance.

NM_182914.3(SYNE2):c.11411C>T (p.Thr3804Ile)

Gene: SYNE2 (spectrin repeat containing nuclear envelope protein 2; plus strand). Cytogenetic location: 14q23.2.
Variant type: single nucleotide variant.
Coding change: c.11411C>T on transcript NM_182914.3 (MANE Select); coding-DNA position 11411, C replaced by T.
Protein change: p.Thr3804Ile; replaces threonine 3804 with isoleucine.
Molecular consequence: missense variant.
Genome position (GRCh38, 1-based): chr14:64,081,507, C>T. VCF-style: chr14-64081507-C-T. GRCh37 (hg19) VCF-style: chr14-64548225-C-T.
Other names: c.11411C>T, p.Thr3804Ile (NM_015180.6); short protein forms T3804I.
Identifiers: ClinVar variation 2130588 (VCV002130588.4), dbSNP rs367893963, ClinGen allele CA389942618.
Genomic context (GRCh38, chr14:64,081,507, plus strand): 5'-CAGTTAAGATGGAGGAATATAGTGACCTTCTGAAGAGCACTGAGGCTTGGATAGAAAATA[C>T]CAGTCATTTGCTGGCCAATCCTGCTGACTATGACTCTTTGAGGACACTGAGTCACCATGC-3'
Protein context (NP_878918.2, residues 3794-3814): LKSTEAWIEN[Thr3804Ile]SHLLANPADY